The following is an entry in ClinVar:

NM_002890.3(RASA1):c.2926-2dup

Genes: CCNH (cyclin H; minus strand), RASA1 (RAS p21 protein activator 1; plus strand). Cytogenetic location: 5q14.3.
Variant type: Duplication.
Coding change: c.2926-2dup on transcript NM_002890.3 (MANE Select); the canonical splice acceptor site of the intron before coding-DNA position 2926, one base duplicated (A; older notation c.2926-2dupA).
Molecular consequence: splice acceptor variant. On other transcripts: intron variant (1).
Genome position (GRCh38, 1-based): chr5:87,389,391, A duplicated; the last of 3 consecutive A bases (chr5:87,389,389-87,389,391); duplicating any one gives the same sequence. VCF-style (leftmost placement, unchanged base first): chr5-87389388-T-TA. GRCh37 (hg19) VCF-style: chr5-86685205-T-TA.
Other names: c.2395-2dup (NM_022650.3); c.933+5655dup (NM_001364075.2).
Identifiers: ClinVar variation 1644946 (VCV001644946.9), dbSNP rs760483907, ClinGen allele CA3336168.

ClinVar aggregate classification (germline): Likely benign. Review status: criteria provided, multiple submitters, no conflicts (2 of 4 stars). 2 submissions from 2 submitters: Likely benign (2). Last evaluated 2025-06-03.

Conditions:
Capillary malformation-arteriovenous malformation syndrome. Also called: Capillary malformation-arteriovenous malformation. Identifiers: Orphanet 137667, MedGen C1842180, MONDO:0012016.

Submissions (2):

Mayo Clinic Laboratories, Mayo Clinic
Classification: Likely benign. Last evaluated: 2025-06-03. Review status: criteria provided, single submitter. Criteria: ACMG Guidelines, 2015. Collection method: clinical testing. Allele origin: germline. Observed: 1 variant allele.
Comment: BP4, BP7

Labcorp Genetics (formerly Invitae), Labcorp
Classification: Likely benign for Capillary malformation-arteriovenous malformation syndrome. Last evaluated: 2023-07-27. Review status: criteria provided, single submitter. Criteria: Invitae Variant Classification Sherloc (09022015). Collection method: clinical testing. Allele origin: germline.